The following is an entry in ClinVar:

NM_001077268.2(ZFYVE19):c.279+440G>T

Gene: ZFYVE19 (zinc finger FYVE-type containing 19; plus strand). Cytogenetic location: 15q15.1.
Variant type: single nucleotide variant.
Coding change: c.279+440G>T on transcript NM_001077268.2 (MANE Select); 440 bases into the intron after coding-DNA position 279, G replaced by T.
Molecular consequence: intron variant. On other transcripts: missense variant (1).
Genome position (GRCh38, 1-based): chr15:40,808,308, G>T. VCF-style: chr15-40808308-G-T. GRCh37 (hg19) VCF-style: chr15-41100506-G-T.
Other names: c.179G>T, p.Arg60Leu (NM_032850.5); c.279+440G>T (NM_001258420.2); c.-247+637G>T (NM_001258421.2); short protein forms R60L.
Identifiers: ClinVar variation 4981379 (VCV004981379.1).

ClinVar aggregate classification (germline): Likely benign (1 of 4 stars; one submission).

Conditions:
ZFYVE19-related disorder. Also called: ZFYVE19-related condition.

gnomAD v4.1: 318 of 1,597,778 alleles (0.02%); highest among the groups gnomAD compares: South Asian, 0.33%; 4 homozygotes.

Submission:

PreventionGenetics, part of Exact Sciences
Classification: Likely benign for ZFYVE19-related condition. Last evaluated: 2026-05-28. Review status: criteria provided, single submitter. Criteria: ACMG Guidelines, 2015. Collection method: clinical testing. Allele origin: germline.
Comment: This variant is classified as likely benign based on ACMG/AMP sequence variant interpretation guidelines (Richards et al. 2015 PMID: 25741868, with internal and published modifications).